The following is an entry in ClinVar:

ClinVar aggregate classification (germline): Uncertain significance (1 of 4 stars; one submission).

Submission:

GeneDx
Classification: Uncertain significance. Last evaluated: 2022-12-15. Review status: criteria provided, single submitter. Criteria: GeneDx Variant Classification Process June 2021. Collection method: clinical testing. Allele origin: germline. Affected: yes.
Comment: Not observed at significant frequency in large population cohorts (gnomAD); In silico analysis supports that this missense variant does not alter protein structure/function; Has not been previously published as pathogenic or benign to our knowledge

NM_003482.4(KMT2D):c.5843G>C (p.Cys1948Ser)

Gene: KMT2D (lysine methyltransferase 2D; minus strand). Cytogenetic location: 12q13.12.
Variant type: single nucleotide variant.
Coding change: c.5843G>C on transcript NM_003482.4 (MANE Select); coding-DNA position 5843, G replaced by C.
Protein change: p.Cys1948Ser; replaces cysteine 1948 with serine.
Molecular consequence: missense variant.
Genome position (GRCh38, 1-based): chr12:49,042,585, C>G on the plus strand (G>C on the coding strand, the complement: KMT2D is on the minus strand). VCF-style: chr12-49042585-C-G. GRCh37 (hg19) VCF-style: chr12-49436368-C-G.
Other names: short protein forms C1948S.
Identifiers: ClinVar variation 2505590 (VCV002505590.1), dbSNP rs2120557030, ClinGen allele CA384628071.
Genomic context (GRCh38, chr12:49,042,585, plus strand): 5'-GAGGACTGCCCACAAAGGTTACGCAGAGACACCAACCTAGAATCCAGGAACGGGGACTGG[C>G]AGAGGCCTGGGTAGGAGTCCATTGGGCTGCTGGAGGGCAGATTGCCCAAAGGGAGTCCAC-3'
Protein context (NP_003473.3, residues 1938-1958): SSPMDSYPGL[Cys1948Ser]QSPFLDSRER